The following is an entry in ClinVar:

NM_021939.4(FKBP10):c.917+1G>A

Gene: FKBP10 (FKBP prolyl isomerase 10; plus strand). Cytogenetic location: 17q21.2.
Variant type: single nucleotide variant.
Coding change: c.917+1G>A on transcript NM_021939.4 (MANE Select); the canonical splice donor site of the intron after coding-DNA position 917, G replaced by A.
Molecular consequence: splice donor variant.
Genome position (GRCh38, 1-based): chr17:41,819,400, G>A. VCF-style: chr17-41819400-G-A. GRCh37 (hg19) VCF-style: chr17-39975652-G-A.
Identifiers: ClinVar variation 1932457 (VCV001932457.5), dbSNP rs2544436967, ClinGen allele CA399516647.

ClinVar aggregate classification (germline): Likely pathogenic (1 of 4 stars; one submission).

Allele frequency attached by ClinVar (database versions not stated): gnomAD exomes below 0.00001.
gnomAD v4.1: 1 of 1,605,052 alleles (0.000062%); highest among the groups gnomAD compares: Non-Finnish European, 0.000085%; no homozygotes.

Submission:

Labcorp Genetics (formerly Invitae), Labcorp
Classification: Likely pathogenic. Last evaluated: 2022-09-23. Review status: criteria provided, single submitter. Criteria: Invitae Variant Classification Sherloc (09022015). Collection method: clinical testing. Allele origin: germline.
Comment: This sequence change affects a donor splice site in intron 5 of the FKBP10 gene. It is expected to disrupt RNA splicing. Variants that disrupt the donor or acceptor splice site typically lead to a loss of protein function (PMID: 16199547), and loss-of-function variants in FKBP10 are known to be pathogenic (PMID: 22689593, 22949511). This variant is not present in population databases (gnomAD no frequency). This variant has not been reported in the literature in individuals affected with FKBP10-related conditions. Algorithms developed to predict the effect of sequence changes on RNA splicing suggest that this variant may disrupt the consensus splice site. In summary, the currently available evidence indicates that the variant is pathogenic, but additional data are needed to prove that conclusively. Therefore, this variant has been classified as Likely Pathogenic.

Literature cited by the submitters: PubMed 16199547; PubMed 22689593; PubMed 22949511.